The following is an entry in ClinVar:

ClinVar aggregate classification (germline): Uncertain significance (1 of 4 stars; one submission).

Submission:

GeneDx
Classification: Uncertain significance. Last evaluated: 2024-01-27. Review status: criteria provided, single submitter. Criteria: GeneDx Variant Classification Process June 2021. Collection method: clinical testing. Allele origin: germline. Affected: yes.
Comment: Not observed at significant frequency in large population cohorts (gnomAD); In silico analysis supports that this missense variant does not alter protein structure/function; Has not been previously published as pathogenic or benign to our knowledge

NM_006516.4(SLC2A1):c.1174G>T (p.Ala392Ser)

Gene: SLC2A1 (solute carrier family 2 member 1; minus strand). Cytogenetic location: 1p34.2.
Variant type: single nucleotide variant.
Coding change: c.1174G>T on transcript NM_006516.4 (MANE Select); coding-DNA position 1174, G replaced by T.
Protein change: p.Ala392Ser; replaces alanine 392 with serine.
Molecular consequence: missense variant.
Genome position (GRCh38, 1-based): chr1:42,927,709, C>A on the plus strand (G>T on the coding strand, the complement: SLC2A1 is on the minus strand). VCF-style: chr1-42927709-C-A. GRCh37 (hg19) VCF-style: chr1-43393380-C-A.
Other names: short protein forms A392S.
Identifiers: ClinVar variation 2574492 (VCV002574492.2), dbSNP rs1384263716, ClinGen allele CA339953915.